The following is an entry in ClinVar:

ClinVar aggregate classification (germline): Likely benign (1 of 4 stars; one submission).

Conditions:
HOXA13-related disorder. Also called: HOXA13-related condition.

Submission:

PreventionGenetics, part of Exact Sciences
Classification: Likely benign for HOXA13-related condition. Last evaluated: 2026-07-09. Review status: criteria provided, single submitter. Criteria: ACMG Guidelines, 2015. Collection method: clinical testing. Allele origin: germline.
Comment: This variant is classified as likely benign based on ACMG/AMP sequence variant interpretation guidelines (Richards et al. 2015 PMID: 25741868, with internal and published modifications).

NM_000522.5(HOXA13):c.-4G>T

Genes: HOXA13 (homeobox A13; minus strand), LOC107126288 (NUP98-HOXA13 recombination region; plus strand). Cytogenetic location: 7p15.2.
Variant type: single nucleotide variant.
Coding change: c.-4G>T on transcript NM_000522.5 (MANE Select); 4 bases upstream of the start codon, G replaced by T.
Molecular consequence: 5 prime UTR variant.
Genome position (GRCh38, 1-based): chr7:27,200,081, C>A on the plus strand (G>T on the coding strand, the complement: HOXA13 is on the minus strand). VCF-style: chr7-27200081-C-A. GRCh37 (hg19) VCF-style: chr7-27239700-C-A.
Identifiers: ClinVar variation 4980244 (VCV004980244.1).